The following is an entry in ClinVar:

ClinVar aggregate classification (germline): Uncertain significance (1 of 4 stars; one submission).

Conditions:
Dilated cardiomyopathy 3B (CMD3B). Also called: CMD3B: DMD-Related Dilated Cardiomyopathy; CARDIOMYOPATHY, DILATED, X-LINKED; DMD-Associated Dilated Cardiomyopathy. Identifiers: Orphanet 154, MedGen C3668940, MONDO:0010542, OMIM 302045.
Duchenne muscular dystrophy (DMD). Also called: Duchenne Muscular Dystrophy (DMD); MUSCULAR DYSTROPHY, PSEUDOHYPERTROPHIC PROGRESSIVE, DUCHENNE TYPE. Identifiers: Orphanet 98896, MedGen C0013264, MONDO:0010679, OMIM 310200.
Becker muscular dystrophy (BMD). Also called: MUSCULAR DYSTROPHY, PSEUDOHYPERTROPHIC PROGRESSIVE, BECKER TYPE; Becker Muscular Dystrophy (BMD). Identifiers: Orphanet 98895, MedGen C0917713, MONDO:0010311, OMIM 300376.

gnomAD v4.1: 26 of 111,911 alleles (0.023%); highest among the groups gnomAD compares: East Asian, 0.62%; no homozygotes.

Submission:

Juno Genomics, Hangzhou Juno Genomics, Inc
Classification: Uncertain significance for Becker muscular dystrophy; Dilated cardiomyopathy 3B; Duchenne muscular dystrophy. Review status: criteria provided, single submitter. Criteria: ACMG Guidelines, 2015. Collection method: clinical testing. Allele origin: germline.
Comment: Absent from controls (or at extremely low frequency if recessive) in Genome Aggregation Database.

NM_004006.3(DMD):c.*1654C>G

Gene: DMD (dystrophin; minus strand). Cytogenetic location: Xp21.2.
Variant type: single nucleotide variant.
Coding change: c.*1654C>G on transcript NM_004006.3 (MANE Select); 1654 bases downstream of the stop codon, C replaced by G.
Molecular consequence: 3 prime UTR variant.
Genome position (GRCh38, 1-based): chrX:31,120,265, G>C on the plus strand (C>G on the coding strand, the complement: DMD is on the minus strand). VCF-style: chrX-31120265-G-C. GRCh37 (hg19) VCF-style: chrX-31138382-G-C.
Other names: c.*1654C>G (NM_000109.4, NM_004009.3, NM_004010.3 and 7 more transcripts); c.*1568C>G (NM_004016.3, NM_004018.3, NM_004021.3 and 2 more transcripts).
Identifiers: ClinVar variation 5007550 (VCV005007550.2).
Genomic context (GRCh38, chrX:31,120,265, plus strand): 5'-GTAAAGCTTTTTCCTACCAGTCCTTAGCTTTTCCTCTTGAGCTTTTCTCCTCTTTTTTGA[G>C]CAATTTTTGTTTGTTTGTTTATATATTTAACCTGTCTAATCCACCAAGAAGGGTTTTTTT-3'